The following is an entry in ClinVar:

NM_012330.4(KAT6B):c.4971T>G (p.Asp1657Glu)

Gene: KAT6B (lysine acetyltransferase 6B; plus strand). Cytogenetic location: 10q22.2.
Variant type: single nucleotide variant.
Coding change: c.4971T>G on transcript NM_012330.4 (MANE Select); coding-DNA position 4971, T replaced by G.
Protein change: p.Asp1657Glu; replaces aspartic acid 1657 with glutamic acid.
Molecular consequence: missense variant.
Genome position (GRCh38, 1-based): chr10:75,029,795, T>G. VCF-style: chr10-75029795-T-G. GRCh37 (hg19) VCF-style: chr10-76789553-T-G.
Other names: c.2628T>G, p.Asp876Glu (NM_001370135.1); c.4971T>G, p.Asp1657Glu (NM_001370136.1, NM_001370137.1); c.4095T>G, p.Asp1365Glu (NM_001370139.1, NM_001370140.1, NM_001370141.1 and 2 more transcripts); c.3906T>G, p.Asp1302Glu (NM_001370143.1, NM_001370144.1); c.4422T>G, p.Asp1474Glu (NM_001370138.1, NM_001256468.2); c.3933T>G, p.Asp1311Glu (NM_001370132.1); c.3282T>G, p.Asp1094Glu (NM_001370133.1); c.2886T>G, p.Asp962Glu (NM_001370134.1); short protein forms D1657E, D876E, D1311E, D1094E, D1302E, D962E, D1365E, D1474E.
Identifiers: ClinVar variation 4739317 (VCV004739317.1).

ClinVar aggregate classification (germline): Uncertain significance (1 of 4 stars; one submission).

Conditions:
Genitopatellar syndrome (GTPTS). Also called: ABSENT PATELLAE, SCROTAL HYPOPLASIA, RENAL ANOMALIES, FACIAL DYSMORPHISM, AND MENTAL RETARDATION; Genitopatellar syndrome (GPS). Identifiers: Orphanet 85201, MedGen C1853566, MONDO:0011640, OMIM 606170.

gnomAD v4.1: 1 of 1,614,166 alleles (0.000062%); highest among the groups gnomAD compares: Admixed American, 0.0017%; no homozygotes.

Submission:

Labcorp Genetics (formerly Invitae), Labcorp
Classification: Uncertain significance for Genitopatellar syndrome. Last evaluated: 2025-07-23. Review status: criteria provided, single submitter. Criteria: Invitae Variant Classification Sherloc (09022015). Collection method: clinical testing. Allele origin: germline.
Comment: This sequence change replaces aspartic acid, which is acidic and polar, with glutamic acid, which is acidic and polar, at codon 1657 of the KAT6B protein (p.Asp1657Glu). This variant is not present in population databases (gnomAD no frequency). This variant has not been reported in the literature in individuals affected with KAT6B-related conditions. An algorithm developed to predict the effect of missense changes on protein structure and function (PolyPhen-2) suggests that this variant is likely to be disruptive. In summary, the available evidence is currently insufficient to determine the role of this variant in disease. Therefore, it has been classified as a Variant of Uncertain Significance.